The following is an entry in ClinVar:

NC_000016.9:g.(?_2098597)_(2108894_?)del

Gene: TSC2 (TSC complex subunit 2; plus strand). Cytogenetic location: 16p13.3.
Variant type: Deletion.
Identifiers: ClinVar variation 1071381 (VCV001071381.5).

ClinVar aggregate classification (germline): Pathogenic (1 of 4 stars; one submission).

Conditions:
Tuberous sclerosis 2 (TSC2). Identifiers: Orphanet 805, MedGen C1860707, MONDO:0013199, OMIM 613254.

Submission:

Labcorp Genetics (formerly Invitae), Labcorp
Classification: Pathogenic for Tuberous sclerosis 2. Last evaluated: 2020-09-23. Review status: criteria provided, single submitter. Criteria: Invitae Variant Classification Sherloc (09022015). Collection method: clinical testing. Allele origin: germline.
Comment: For these reasons, this variant has been classified as Pathogenic. Loss-of-function variants in TSC2 are known to be pathogenic (PMID: 10205261, 17304050). This variant has not been reported in the literature in individuals with TSC2-related conditions. This variant is a gross deletion of the genomic region encompassing exon(s) 2-10 of the TSC2 gene, which includes the initiator codon. The 5' end of this event is unknown as it extends beyond the assayed region for this gene and therefore may encompass additional genes. The 3' boundary is likely confined to intron 10 of the TSC2 gene. This is expected to result in an absent or disrupted protein product.

Literature cited by the submitters: PubMed 10205261; PubMed 17304050.